The following is an entry in ClinVar:

NM_152564.5(VPS13B):c.8588C>G (p.Pro2863Arg)

Gene: VPS13B (vacuolar protein sorting 13 homolog B; plus strand). Cytogenetic location: 8q22.2.
Variant type: single nucleotide variant.
Coding change: c.8588C>G on transcript NM_152564.5 (MANE Select); coding-DNA position 8588, C replaced by G.
Protein change: p.Pro2863Arg; replaces proline 2863 with arginine.
Molecular consequence: missense variant.
Genome position (GRCh38, 1-based): chr8:99,818,855, C>G. VCF-style: chr8-99818855-C-G. GRCh37 (hg19) VCF-style: chr8-100831083-C-G.
Other names: c.8663C>G, p.Pro2888Arg (NM_017890.5); short protein forms P2863R, P2888R.
Identifiers: ClinVar variation 2501834 (VCV002501834.1), dbSNP rs2492010835, ClinGen allele CA371775052.
Genomic context (GRCh38, chr8:99,818,855, plus strand): 5'-TGAGTGAAACACAAATTATTCCAGGAAAAGGGCAGGAAAAACCACTGCAAAACATAGAAC[C>G]TGACCTTGTACATCACCTGACATTCCAAGCAAGGTACTAGAAAAATCCTTCCATACATTT-3'
Protein context (NP_689777.3, residues 2853-2873): GQEKPLQNIE[Pro2863Arg]DLVHHLTFQA

ClinVar aggregate classification (germline): Uncertain significance (1 of 4 stars; one submission).

Submission:

GeneDx
Classification: Uncertain significance. Last evaluated: 2022-11-10. Review status: criteria provided, single submitter. Criteria: GeneDx Variant Classification Process June 2021. Collection method: clinical testing. Allele origin: germline. Affected: yes.
Comment: Not observed at significant frequency in large population cohorts (gnomAD); In silico analysis supports that this missense variant has a deleterious effect on protein structure/function; Has not been previously published as pathogenic or benign to our knowledge